The following is an entry in ClinVar:

NM_006767.4(LZTR1):c.2348C>A (p.Thr783Lys)

Gene: LZTR1 (leucine zipper like post translational regulator 1; plus strand). Cytogenetic location: 22q11.21.
Variant type: single nucleotide variant.
Coding change: c.2348C>A on transcript NM_006767.4 (MANE Select); coding-DNA position 2348, C replaced by A.
Protein change: p.Thr783Lys; replaces threonine 783 with lysine.
Molecular consequence: missense variant.
Genome position (GRCh38, 1-based): chr22:20,996,908, C>A. VCF-style: chr22-20996908-C-A. GRCh37 (hg19) VCF-style: chr22-21351197-C-A.
Other names: short protein forms T783K.
Identifiers: ClinVar variation 1789946 (VCV001789946.26), dbSNP rs143507674, ClinGen allele CA410781018.
Genomic context (GRCh38, chr22:20,996,908, plus strand): 5'-GTGAAAGGGGCAGCGCCTCAAGGTCCCTGCCATTGCAGATCCTGGAGGCAGCTGACAAAA[C>A]GCAGGCACTGGACATGAAGCGGCACTGCCTGCACATCATTGTGCACCAGTTCACCAAGGT-3'
Protein context (NP_006758.2, residues 773-793): VLQILEAADK[Thr783Lys]QALDMKRHCL

ClinVar aggregate classification (germline): Uncertain significance. Review status: criteria provided, multiple submitters, no conflicts (2 of 4 stars). 2 submissions from 2 submitters: Uncertain significance (2). Last evaluated 2022-05-25.

Conditions:
Cardiovascular phenotype. Identifiers: MedGen CN230736.
Hereditary cancer-predisposing syndrome. Also called: Hereditary neoplastic syndrome; Neoplastic Syndromes, Hereditary; Tumor predisposition; Hereditary Cancer Syndrome. Identifiers: Orphanet 140162, MedGen C0027672, MeSH D009386, MONDO:0015356.

gnomAD v4.1: 1 of 1,612,572 alleles (0.000062%); highest among the groups gnomAD compares: Non-Finnish European, 0.000085%; no homozygotes.

Submissions (2):

Ambry Genetics
Classification: Uncertain significance for Cardiovascular phenotype; Hereditary cancer-predisposing syndrome. Last evaluated: 2022-05-25. Review status: criteria provided, single submitter. Criteria: Ambry Variant Classification Scheme 2023. Collection method: clinical testing. Allele origin: germline.
Comment: The p.T783K variant (also known as c.2348C>A), located in coding exon 20 of the LZTR1 gene, results from a C to A substitution at nucleotide position 2348. The threonine at codon 783 is replaced by lysine, an amino acid with similar properties. This amino acid position is conserved. In addition, this alteration is predicted to be deleterious by in silico analysis. Since supporting evidence is limited at this time, the clinical significance of this alteration remains unclear.

CeGaT Center for Human Genetics Tuebingen
Classification: Uncertain significance. Last evaluated: 2022-05-01. Review status: criteria provided, single submitter. Criteria: CeGaT Center For Human Genetics Tuebingen Variant Classification Criteria Version 2. Collection method: clinical testing. Allele origin: germline. Affected: yes. Observed: 1 variant allele.
Comment: LZTR1: PM2